The following is an entry in ClinVar:

ClinVar aggregate classification (germline): Uncertain significance (1 of 4 stars; one submission).

Conditions:
X-linked immunodeficiency with magnesium defect, Epstein-Barr virus infection and neoplasia. Identifiers: Orphanet 317476, MedGen C3275445, MONDO:0010455, OMIM 300853.

Submission:

Labcorp Genetics (formerly Invitae), Labcorp
Classification: Uncertain significance for X-linked immunodeficiency with magnesium defect, Epstein-Barr virus infection and neoplasia. Last evaluated: 2022-03-26. Review status: criteria provided, single submitter. Criteria: Invitae Variant Classification Sherloc (09022015). Collection method: clinical testing. Allele origin: germline.
Comment: In summary, the available evidence is currently insufficient to determine the role of this variant in disease. Therefore, it has been classified as a Variant of Uncertain Significance. Algorithms developed to predict the effect of missense changes on protein structure and function (SIFT, PolyPhen-2, Align-GVGD) all suggest that this variant is likely to be tolerated. This variant has not been reported in the literature in individuals affected with MAGT1-related conditions. This variant is not present in population databases (gnomAD no frequency). This sequence change replaces histidine, which is basic and polar, with arginine, which is basic and polar, at codon 358 of the MAGT1 protein (p.His358Arg).

NM_001367916.1(MAGT1):c.977A>G (p.His326Arg)

Gene: MAGT1 (magnesium transporter 1; minus strand). Cytogenetic location: Xq21.1.
Variant type: single nucleotide variant.
Coding change: c.977A>G on transcript NM_001367916.1 (MANE Select); coding-DNA position 977, A replaced by G.
Protein change: p.His326Arg; replaces histidine 326 with arginine.
Molecular consequence: missense variant.
Genome position (GRCh38, 1-based): chrX:77,830,820, T>C on the plus strand (A>G on the coding strand, the complement: MAGT1 is on the minus strand). VCF-style: chrX-77830820-T-C. GRCh37 (hg19) VCF-style: chrX-77086317-T-C.
Other names: c.1073A>G, p.His358Arg (NM_032121.5); short protein forms H326R, H358R.
Identifiers: ClinVar variation 2117584 (VCV002117584.4), dbSNP rs2521953263, ClinGen allele CA413709807.